The following is an entry in ClinVar:

ClinVar aggregate classification (germline): Uncertain significance (1 of 4 stars; one submission).

Conditions:
Hereditary cancer-predisposing syndrome. Also called: Neoplastic Syndromes, Hereditary; Tumor predisposition; Hereditary Cancer Syndrome; Hereditary neoplastic syndrome. Identifiers: Orphanet 140162, MedGen C0027672, MeSH D009386, MONDO:0015356.

Submission:

Ambry Genetics
Classification: Uncertain significance for Hereditary cancer-predisposing syndrome. Last evaluated: 2026-05-16. Review status: criteria provided, single submitter. Criteria: Ambry Variant Classification Scheme 2023. Collection method: clinical testing. Allele origin: germline.
Comment: The p.Q303L variant (also known as c.908A>T), located in coding exon 9 of the POLE gene, results from an A to T substitution at nucleotide position 908. The glutamine at codon 303 is replaced by leucine, an amino acid with dissimilar properties. This amino acid position is conserved. In addition, the in silico prediction for this alteration is inconclusive. Based on the available evidence, the clinical significance of this variant remains unclear.

NM_006231.4(POLE):c.908A>T (p.Gln303Leu)

Gene: POLE (DNA polymerase epsilon, catalytic subunit; minus strand). Cytogenetic location: 12q24.33.
Variant type: single nucleotide variant.
Coding change: c.908A>T on transcript NM_006231.4 (MANE Select); coding-DNA position 908, A replaced by T.
Protein change: p.Gln303Leu; replaces glutamine 303 with leucine.
Molecular consequence: missense variant.
Genome position (GRCh38, 1-based): chr12:132,676,547, T>A on the plus strand (A>T on the coding strand, the complement: POLE is on the minus strand). VCF-style: chr12-132676547-T-A. GRCh37 (hg19) VCF-style: chr12-133253133-T-A.
Other names: short protein forms Q303L.
Identifiers: ClinVar variation 4862319 (VCV004862319.1).